The following is an entry in ClinVar:

NM_001038603.3(MARVELD2):c.1306C>A (p.Pro436Thr)

Gene: MARVELD2 (MARVEL domain containing 2; plus strand). Cytogenetic location: 5q13.2.
Variant type: single nucleotide variant.
Coding change: c.1306C>A on transcript NM_001038603.3 (MANE Select); coding-DNA position 1306, C replaced by A.
Protein change: p.Pro436Thr; replaces proline 436 with threonine.
Molecular consequence: missense variant.
Genome position (GRCh38, 1-based): chr5:69,432,650, C>A. VCF-style: chr5-69432650-C-A. GRCh37 (hg19) VCF-style: chr5-68728477-C-A.
Other names: p.Pro436Thr; c.1270C>A, p.Pro424Thr (NM_001244734.2); short protein forms P424T, P436T.
Identifiers: ClinVar variation 2682885 (VCV002682885.1), dbSNP rs200014615, ClinGen allele CA3294220.
Genomic context (GRCh38, chr5:69,432,650, plus strand): 5'-ACAGCAAAAATGAAACCTGAACTACTGAGTGGACACATCCCCCCAGGCCACATTCCTAAA[C>A]CTATCGTGATGCCCGACTATGTGGCGTGAGTGTCAGTCTGAATTCTTCCTCAAGGTAGAA-3'
Protein context (NP_001033692.2, residues 426-446): GHIPPGHIPK[Pro436Thr]IVMPDYVAKY

ClinVar aggregate classification (germline): Uncertain significance (1 of 4 stars; one submission).

Allele frequency attached by ClinVar (database versions not stated): gnomAD 0.00001; ExAC 0.00002; gnomAD exomes 0.00002.
gnomAD v4.1: 30 of 1,613,986 alleles (0.0019%); highest among the groups gnomAD compares: Non-Finnish European, 0.0024%; no homozygotes.

Submission:

Mayo Clinic Laboratories, Mayo Clinic
Classification: Uncertain significance. Last evaluated: 2022-10-20. Review status: criteria provided, single submitter. Criteria: ACMG Guidelines, 2015. Collection method: clinical testing. Allele origin: germline. Observed: 1 variant allele.
Comment: PM2